The following is an entry in ClinVar:

NM_017514.5(PLXNA3):c.4434+9A>C

Gene: PLXNA3 (plexin A3; plus strand). Cytogenetic location: Xq28.
Variant type: single nucleotide variant.
Coding change: c.4434+9A>C on transcript NM_017514.5 (MANE Select); 9 bases into the intron after coding-DNA position 4434, A replaced by C.
Molecular consequence: intron variant.
Genome position (GRCh38, 1-based): chrX:154,468,978, A>C. VCF-style: chrX-154468978-A-C. GRCh37 (hg19) VCF-style: chrX-153697321-A-C.
Identifiers: ClinVar variation 4986876 (VCV004986876.1).
Genomic context (GRCh38, chrX:154,468,978, plus strand): 5'-CTCCCTGAGCGAGGACAAGCTCATCCGTCAGCAGATCGACTACAAGACACTGGTGAGCGC[A>C]GGGCCAGGCGGGCCAGAGGTAGGGGTGCAGAGAGAGGCCTCGCCCCAGACTGACACTGGA-3'

ClinVar aggregate classification (germline): Likely benign (1 of 4 stars; one submission).

Conditions:
PLXNA3-related disorder. Also called: PLXNA3-related condition.

gnomAD v4.1: 5 of 1,211,288 alleles (0.00041%); highest among the groups gnomAD compares: Non-Finnish European, 0.00045%; no homozygotes.

Submission:

PreventionGenetics, part of Exact Sciences
Classification: Likely benign for PLXNA3-related condition. Last evaluated: 2026-05-13. Review status: criteria provided, single submitter. Criteria: ACMG Guidelines, 2015. Collection method: clinical testing. Allele origin: germline.
Comment: This variant is classified as likely benign based on ACMG/AMP sequence variant interpretation guidelines (Richards et al. 2015 PMID: 25741868, with internal and published modifications).